The following is an entry in ClinVar:

ClinVar aggregate classification (germline): Conflicting classifications of pathogenicity. Review status: criteria provided, conflicting classifications (1 of 4 stars). 3 submissions from 3 submitters: Uncertain significance (2); Likely benign (1). Last evaluated 2023-11-17.

Allele frequency attached by ClinVar (database versions not stated): gnomAD 0.00001; TOPMed 0.00001.
gnomAD v4.1: 11 of 1,609,608 alleles (0.00068%); highest among the groups gnomAD compares: Non-Finnish European, 0.00085%; no homozygotes.

Submissions (3):

GeneDx
Classification: Likely benign. Last evaluated: 2023-11-17. Review status: criteria provided, single submitter. Criteria: GeneDx Variant Classification Process June 2021. Collection method: clinical testing. Allele origin: germline. Affected: yes.
Comment: See Variant Classification Assertion Criteria.

CeGaT Center for Human Genetics Tuebingen
Classification: Uncertain significance. Last evaluated: 2021-12-01. Review status: criteria provided, single submitter. Criteria: CeGaT Center For Human Genetics Tuebingen Variant Classification Criteria Version 2. Collection method: clinical testing. Allele origin: germline. Affected: yes. Observed: 1 variant allele.

Laboratory for Molecular Medicine, Mass General Brigham Personalized Medicine
Classification: Uncertain significance. Last evaluated: 2015-06-16. Review status: criteria provided, single submitter. Criteria: LMM Criteria. Collection method: clinical testing. Allele origin: germline. Observed: 1 variant allele.
Comment: Variant classified as Uncertain Significance - Favor Benign. The c.*2G>A variant in TBC1D24 has not been previously reported in individuals with hearing loss, b ut has been identified in 3/64658 European chromosomes by the Exome Aggregation Consortium (ExAC). This variant occurs in the 3' UTR. This genomic region contains regulatory elements essential for the regulati on and transport of the mRNA transcript, and variants in this region could resul t in dysregulation or disruption of these functions. However, the c.*2 nucleotid e position is not conserved across mammals and evolutionarily distant species, m any of which, including 5 mammals, have an adenine (A) base at this position, su ggesting that this variant is tolerated. In summary, while the clinical signific ance of the c.*2G>A variant is uncertain, the conservation data suggests that it is more likely to be benign.

NM_001199107.2(TBC1D24):c.*2G>A

Gene: TBC1D24 (TBC1 domain family member 24; plus strand). Cytogenetic location: 16p13.3.
Variant type: single nucleotide variant.
Coding change: c.*2G>A on transcript NM_001199107.2 (MANE Select); 2 bases downstream of the stop codon, G replaced by A.
Molecular consequence: 3 prime UTR variant.
Genome position (GRCh38, 1-based): chr16:2,500,960, G>A. VCF-style: chr16-2500960-G-A. GRCh37 (hg19) VCF-style: chr16-2550961-G-A.
Other names: c.*2G>A (NM_020705.3).
Identifiers: ClinVar variation 229286 (VCV000229286.43), dbSNP rs780054979, ClinGen allele CA7844375.